The following is an entry in ClinVar:

NM_182961.4(SYNE1):c.941G>T (p.Arg314Ile)

Gene: SYNE1 (spectrin repeat containing nuclear envelope protein 1; minus strand). Cytogenetic location: 6q25.2.
Variant type: single nucleotide variant.
Coding change: c.941G>T on transcript NM_182961.4 (MANE Select); coding-DNA position 941, G replaced by T.
Protein change: p.Arg314Ile; replaces arginine 314 with isoleucine.
Molecular consequence: missense variant.
Genome position (GRCh38, 1-based): chr6:152,488,502, C>A on the plus strand (G>T on the coding strand, the complement: SYNE1 is on the minus strand). VCF-style: chr6-152488502-C-A. GRCh37 (hg19) VCF-style: chr6-152809637-C-A.
Other names: c.962G>T, p.Arg321Ile (NM_033071.5); short protein forms R314I, R321I.
Identifiers: ClinVar variation 499698 (VCV000499698.12), dbSNP rs1554795128, ClinGen allele CA366144735.

ClinVar aggregate classification (germline): Uncertain significance. Review status: criteria provided, multiple submitters, no conflicts (2 of 4 stars). 2 submissions from 2 submitters: Uncertain significance (2). Last evaluated 2022-06-20.

Conditions:
Emery-Dreifuss muscular dystrophy 4, autosomal dominant (EDMD4). Also called: EMERY-DREIFUSS MUSCULAR DYSTROPHY 4 WITH VARIABLE FEATURES. Identifiers: Orphanet 261, MedGen C2751807, MONDO:0013071, OMIM 612998.
Autosomal recessive ataxia, Beauce type. Also called: SYNE1 Deficiency; Spinocerebellar ataxia, autosomal recessive 8; ATAXIA, RECESSIVE, OF BEAUCE; SYNE1-Related Autosomal Recessive Cerebellar Ataxia. Identifiers: Orphanet 88644, MedGen C1853116, MONDO:0012549, OMIM 610743.

Submissions (2):

Labcorp Genetics (formerly Invitae), Labcorp
Classification: Uncertain significance for Emery-Dreifuss muscular dystrophy 4, autosomal dominant; Autosomal recessive ataxia, Beauce type. Last evaluated: 2022-06-20. Review status: criteria provided, single submitter. Criteria: Invitae Variant Classification Sherloc (09022015). Collection method: clinical testing. Allele origin: germline.
Comment: This variant has not been reported in the literature in individuals affected with SYNE1-related conditions. In summary, the available evidence is currently insufficient to determine the role of this variant in disease. Therefore, it has been classified as a Variant of Uncertain Significance. Algorithms developed to predict the effect of sequence changes on RNA splicing suggest that this variant may create or strengthen a splice site. Algorithms developed to predict the effect of missense changes on protein structure and function are either unavailable or do not agree on the potential impact of this missense change (SIFT: "Deleterious"; PolyPhen-2: "Possibly Damaging"; Align-GVGD: "Class C0"). ClinVar contains an entry for this variant (Variation ID: 499698). This variant is not present in population databases (gnomAD no frequency). This sequence change replaces arginine, which is basic and polar, with isoleucine, which is neutral and non-polar, at codon 321 of the SYNE1 protein (p.Arg321Ile).

Eurofins Ntd Llc (ga)
Classification: Uncertain significance. Last evaluated: 2017-01-05. Review status: criteria provided, single submitter. Criteria: EGL Classification Definitions 2015. Collection method: clinical testing. Allele origin: germline. Observed: 1 variant allele, 1 heterozygote.